The following is an entry in ClinVar:

NM_006493.4(CLN5):c.134C>T (p.Ser45Leu)

Genes: CLN5 (CLN5 lysosomal BMP synthase; plus strand), LOC130009913 (ATAC-STARR-seq lymphoblastoid silent region 5414; plus strand). Cytogenetic location: 13q22.3.
Variant type: single nucleotide variant.
Coding change: c.134C>T on transcript NM_006493.4 (MANE Select); coding-DNA position 134, C replaced by T.
Protein change: p.Ser45Leu; replaces serine 45 with leucine.
Molecular consequence: missense variant.
Genome position (GRCh38, 1-based): chr13:76,992,232, C>T. VCF-style: chr13-76992232-C-T. GRCh37 (hg19) VCF-style: chr13-77566367-C-T.
Other names: c.134C>T, p.Ser45Leu (NM_001366624.2); short protein forms S45L, S94L.
Identifiers: ClinVar variation 2758302 (VCV002758302.3), dbSNP rs2501125275, ClinGen allele CA388306721.

ClinVar aggregate classification (germline): Uncertain significance (1 of 4 stars; one submission).

Conditions:
Neuronal ceroid lipofuscinosis. Also called: Neuronal Ceroid Lipofuscinoses. Identifiers: Orphanet 216, Orphanet 79263, MedGen C0027877, MONDO:0016295. Disease mechanism: loss of function.

Submission:

Labcorp Genetics (formerly Invitae), Labcorp
Classification: Uncertain significance for Neuronal ceroid lipofuscinosis. Last evaluated: 2023-09-20. Review status: criteria provided, single submitter. Criteria: Invitae Variant Classification Sherloc (09022015). Collection method: clinical testing. Allele origin: germline.
Comment: This sequence change replaces serine, which is neutral and polar, with leucine, which is neutral and non-polar, at codon 94 of the CLN5 protein (p.Ser94Leu). This variant is not present in population databases (gnomAD no frequency). This variant has not been reported in the literature in individuals affected with CLN5-related conditions. Advanced modeling of protein sequence and biophysical properties (such as structural, functional, and spatial information, amino acid conservation, physicochemical variation, residue mobility, and thermodynamic stability) performed at Invitae indicates that this missense variant is not expected to disrupt CLN5 protein function. In summary, the available evidence is currently insufficient to determine the role of this variant in disease. Therefore, it has been classified as a Variant of Uncertain Significance.